The following is an entry in ClinVar:

ClinVar aggregate classification (germline): Uncertain significance (1 of 4 stars; one submission).

Conditions:
Primary ciliary dyskinesia. Also called: Ciliary dyskinesia. Identifiers: Orphanet 244, MedGen C0008780, MONDO:0016575, HP:0012265.

Submission:

Department of Human Genetics, Hannover Medical School
Classification: Uncertain significance for Primary Ciliary Dyskinesia. Last evaluated: 2026-04-01. Review status: criteria provided, single submitter. Criteria: ACMG Guidelines, 2015. Collection method: research. Allele origin: germline. Affected: no.
Comment: Classification performed by HerediClassify using the following criteria:['PM2_supporting: Variant occures does not occur as homozygous in gnomAD.', 'PP3_protein_strong: Variant is predicted to be pathogenic by REVEL with evidence strength strong.']

NM_001039574.3(KCNC4):c.1310T>G (p.Leu437Arg)

Gene: KCNC4 (potassium voltage-gated channel subfamily C member 4; plus strand). Cytogenetic location: 1p13.3.
Variant type: single nucleotide variant.
Coding change: c.1310T>G on transcript NM_001039574.3 (MANE Select); coding-DNA position 1310, T replaced by G.
Protein change: p.Leu437Arg; replaces leucine 437 with arginine.
Molecular consequence: missense variant. On other transcripts: non-coding transcript variant (1), intron variant (1).
Genome position (GRCh38, 1-based): chr1:110,223,595, T>G. VCF-style: chr1-110223595-T-G. GRCh37 (hg19) VCF-style: chr1-110766217-T-G.
Other names: c.1310T>G, p.Leu437Arg (NM_001377330.1, NM_004978.6); c.679-2380T>G (NM_001377331.1); short protein forms L437R.
Identifiers: ClinVar variation 4880064 (VCV004880064.1).